The following is an entry in ClinVar:

NM_001903.5(CTNNA1):c.1583T>C (p.Ile528Thr)

Gene: CTNNA1 (catenin alpha 1; plus strand). Cytogenetic location: 5q31.2.
Variant type: single nucleotide variant.
Coding change: c.1583T>C on transcript NM_001903.5 (MANE Select); coding-DNA position 1583, T replaced by C.
Protein change: p.Ile528Thr; replaces isoleucine 528 with threonine.
Molecular consequence: missense variant.
Genome position (GRCh38, 1-based): chr5:138,924,546, T>C. VCF-style: chr5-138924546-T-C. GRCh37 (hg19) VCF-style: chr5-138260235-T-C.
Other names: c.473T>C, p.Ile158Thr (NM_001323988.1, NM_001323989.1, NM_001323990.1 and 17 more transcripts); c.1583T>C, p.Ile528Thr (NM_001290307.3, NM_001323982.2, NM_001323983.1 and 2 more transcripts); c.1274T>C, p.Ile425Thr (NM_001290309.3); c.1214T>C, p.Ile405Thr (NM_001290310.3); c.1490T>C, p.Ile497Thr (NM_001323986.2); c.134T>C, p.Ile45Thr (NM_001324006.1, NM_001324007.1, NM_001324008.1 and 2 more transcripts); c.380T>C, p.Ile127Thr (NM_001324011.1); c.230T>C, p.Ile77Thr (NM_001324012.1, NM_001324013.1); short protein forms I127T, I497T, I158T, I45T, I405T, I425T, I528T, I77T.
Identifiers: ClinVar variation 1391908 (VCV001391908.6), dbSNP rs2150288022, ClinGen allele CA361131758.

ClinVar aggregate classification (germline): Uncertain significance (1 of 4 stars; one submission).

Submission:

Labcorp Genetics (formerly Invitae), Labcorp
Classification: Uncertain significance. Last evaluated: 2021-11-07. Review status: criteria provided, single submitter. Criteria: Invitae Variant Classification Sherloc (09022015). Collection method: clinical testing. Allele origin: germline.
Comment: In summary, the available evidence is currently insufficient to determine the role of this variant in disease. Therefore, it has been classified as a Variant of Uncertain Significance. This sequence change replaces isoleucine, which is neutral and non-polar, with threonine, which is neutral and polar, at codon 528 of the CTNNA1 protein (p.Ile528Thr). This variant is not present in population databases (gnomAD no frequency). This variant has not been reported in the literature in individuals affected with CTNNA1-related conditions. Algorithms developed to predict the effect of missense changes on protein structure and function are either unavailable or do not agree on the potential impact of this missense change (SIFT: "Deleterious"; PolyPhen-2: "Benign"; Align-GVGD: "Class C0").